The following is an entry in ClinVar:

NM_000297.4(PKD2):c.2240+5G>A

Gene: PKD2 (polycystin 2, transient receptor potential cation channel; plus strand). Cytogenetic location: 4q22.1.
Variant type: single nucleotide variant.
Coding change: c.2240+5G>A on transcript NM_000297.4 (MANE Select); 5 bases into the intron after coding-DNA position 2240, G replaced by A.
Molecular consequence: intron variant.
Genome position (GRCh38, 1-based): chr4:88,065,500, G>A. VCF-style: chr4-88065500-G-A. GRCh37 (hg19) VCF-style: chr4-88986652-G-A.
Identifiers: ClinVar variation 3346783 (VCV003346783.1).

ClinVar aggregate classification (germline): Uncertain significance (0 of 4 stars; one submission).

Conditions:
PKD2-related disorder. Also called: PKD2-related condition.

Submission:

PreventionGenetics, part of Exact Sciences
Classification: Uncertain significance for PKD2-related condition. Last evaluated: 2024-07-26. Review status: no assertion criteria provided. Collection method: clinical testing. Allele origin: germline.
Comment: The PKD2 c.2240+5G>A variant is predicted to interfere with splicing. This variant is predicted to significantly weaken the splice donor site signal (Alamut Visual Plus version v1.6.1; SpliceAI, Jaganathan et al. 2019. PubMed ID: 30661751). However, the use of computer prediction programs is not equivalent to functional evidence. To our knowledge, this variant has not been reported in the literature or in a large population database, indicating this variant is rare. At this time, the clinical significance of this variant is uncertain due to the absence of conclusive functional and genetic evidence.